The following is an entry in ClinVar:

NM_001692.4(ATP6V1B1):c.1298T>C (p.Val433Ala)

Gene: ATP6V1B1 (ATPase H+ transporting V1 subunit B1; plus strand). Cytogenetic location: 2p13.3.
Variant type: single nucleotide variant.
Coding change: c.1298T>C on transcript NM_001692.4 (MANE Select); coding-DNA position 1298, T replaced by C.
Protein change: p.Val433Ala; replaces valine 433 with alanine.
Molecular consequence: missense variant.
Genome position (GRCh38, 1-based): chr2:70,964,785, T>C. VCF-style: chr2-70964785-T-C. GRCh37 (hg19) VCF-style: chr2-71191915-T-C.
Other names: short protein forms V433A.
Identifiers: ClinVar variation 44224 (VCV000044224.11), dbSNP rs149910460, ClinGen allele CA133776.

ClinVar aggregate classification (germline): Uncertain significance. Review status: criteria provided, multiple submitters, no conflicts (2 of 4 stars). 6 submissions from 6 submitters: Uncertain significance (5). 1 of the submissions does not count toward it. Last evaluated 2025-07-31.

Conditions:
Inborn genetic diseases. Identifiers: MedGen C0950123, MeSH D030342.
Renal tubular acidosis with progressive nerve deafness. Also called: renal tubular acidosis, distal, 2, with progressive sensorineural hearing loss; Distal Renal Tubular Acidosis with Progressive Sensorineural Deafness; RENAL TUBULAR ACIDOSIS, AUTOSOMAL RECESSIVE, WITH PROGRESSIVE NERVE DEAFNESS; RTA WITH PROGRESSIVE NERVE DEAFNESS. Identifiers: MedGen C0403554, MONDO:0009968, OMIM 267300.

Allele frequency attached by ClinVar (database versions not stated): 1000 Genomes Project 30x 0.00031; 1000 Genomes Project 0.00040; gnomAD exomes 0.00006; ExAC 0.00009; gnomAD 0.00012; TOPMed 0.00014; ESP Exome Variant Server 0.00015.
gnomAD v4.1: 103 of 1,613,904 alleles (0.0064%); highest among the groups gnomAD compares: African/African-American, 0.021%; no homozygotes.

Submissions (6):

Ambry Genetics
Classification: Uncertain significance for Inborn genetic diseases. Last evaluated: 2025-07-31. Review status: criteria provided, single submitter. Criteria: Ambry Variant Classification Scheme 2023. Collection method: clinical testing. Allele origin: germline.

Fulgent Genetics
Classification: Uncertain significance for Renal tubular acidosis with progressive nerve deafness. Last evaluated: 2024-02-07. Review status: criteria provided, single submitter. Criteria: ACMG Guidelines, 2015. Collection method: clinical testing. Allele origin: germline.

Labcorp Genetics (formerly Invitae), Labcorp
Classification: Uncertain significance. Last evaluated: 2022-04-26. Review status: criteria provided, single submitter. Criteria: Invitae Variant Classification Sherloc (09022015). Collection method: clinical testing. Allele origin: germline.
Comment: This sequence change replaces valine, which is neutral and non-polar, with alanine, which is neutral and non-polar, at codon 433 of the ATP6V1B1 protein (p.Val433Ala). This variant is present in population databases (rs149910460, gnomAD 0.02%). This variant has not been reported in the literature in individuals affected with ATP6V1B1-related conditions. ClinVar contains an entry for this variant (Variation ID: 44224). Algorithms developed to predict the effect of missense changes on protein structure and function are either unavailable or do not agree on the potential impact of this missense change (SIFT: "Deleterious"; PolyPhen-2: "Benign"; Align-GVGD: "Class C0"). In summary, the available evidence is currently insufficient to determine the role of this variant in disease. Therefore, it has been classified as a Variant of Uncertain Significance.

GeneDx
Classification: Uncertain significance. Last evaluated: 2022-04-22. Review status: criteria provided, single submitter. Criteria: GeneDx Variant Classification Process June 2021. Collection method: clinical testing. Allele origin: germline. Affected: yes.
Comment: In silico analysis supports that this missense variant has a deleterious effect on protein structure/function; Has not been previously published as pathogenic or benign to our knowledge

Laboratory for Molecular Medicine, Mass General Brigham Personalized Medicine
Classification: Uncertain significance. Last evaluated: 2012-12-20. Review status: criteria provided, single submitter. Criteria: LMM Criteria. Collection method: clinical testing. Allele origin: germline. Observed: 1 variant allele.
Comment: Variant classified as Uncertain Significance - Favor Benign. The Val433Ala varia nt in ATP6V1B1 has not been reported in the literature nor previously identified by our laboratory. Computational analyses (biochemical amino acid properties, c onservation, AlignGVGD, PolyPhen2, and SIFT) do not provide strong support for o r against an impact to the protein. This variant has been identified in 0.04% (2 /4406) of African American chromosomes in a broad population by the NHLBI Exome sequencing project (dbSNP rs149910460). Altho ugh this variant has been seen in the general population, its frequency is not h igh enough to rule out a pathogenic role. In summary, the clinical significance of this variant cannot be determined with certainty; however, based upon observa tion in the general population and no available data to support a disease-causin g role, we would lean towards a more likely benign role.

Natera, Inc.
Classification: Uncertain significance for Renal tubular acidosis with progressive nerve deafness. Last evaluated: 2019-10-28. Review status: no assertion criteria provided. Collection method: clinical testing. Allele origin: germline. Not counted in ClinVar's aggregate classification.